The following is an entry in ClinVar:

NM_018979.4(WNK1):c.4858A>G (p.Ser1620Gly)

Gene: WNK1 (WNK lysine deficient protein kinase 1; plus strand). Cytogenetic location: 12p13.33.
Variant type: single nucleotide variant.
Coding change: c.4858A>G on transcript NM_018979.4 (MANE Select); coding-DNA position 4858, A replaced by G.
Protein change: p.Ser1620Gly; replaces serine 1620 with glycine.
Molecular consequence: missense variant.
Genome position (GRCh38, 1-based): chr12:885,662, A>G. VCF-style: chr12-885662-A-G. GRCh37 (hg19) VCF-style: chr12-994828-A-G.
Other names: c.4858A>G (NM_018979.3); c.5638A>G, p.Ser1880Gly (NM_001184985.2); c.4117A>G, p.Ser1373Gly (NM_014823.3); c.5614A>G, p.Ser1872Gly (NM_213655.5); short protein forms S1872G, S1373G, S1880G, S1620G.
Identifiers: ClinVar variation 1748643 (VCV001748643.8), dbSNP rs72650733, ClinGen allele CA231479434.

ClinVar aggregate classification (germline): Uncertain significance. Review status: criteria provided, multiple submitters, no conflicts (2 of 4 stars). 3 submissions from 3 submitters: Uncertain significance (3). Last evaluated 2025-05-19.

Conditions:
WNK1-related disorder. Also called: WNK1-related condition.
Neuropathy, hereditary sensory and autonomic, type 2A (HSAN2A). Also called: ACROOSTEOLYSIS, GIACCAI TYPE; ACROOSTEOLYSIS, NEUROGENIC; HSAN IIA; WNK1-Related HSAN2 (HSAN2A); MORVAN DISEASE; NEUROPATHY, CONGENITAL SENSORY. Identifiers: Orphanet 970, MedGen C2752089, MONDO:0024309, OMIM 201300.
Pseudohypoaldosteronism type 2C (PHA2C). Also called: Pseudohypoaldosteronism Type IIC. Identifiers: Orphanet 757, Orphanet 88940, MedGen C1840391, MONDO:0013778, OMIM 614492.
Inborn genetic diseases. Identifiers: MedGen C0950123, MeSH D030342.

Allele frequency attached by ClinVar (database versions not stated): gnomAD 0.00002; TOPMed 0.00008.
gnomAD v4.1: 3 of 1,614,040 alleles (0.00019%); highest among the groups gnomAD compares: Admixed American, 0.0033%; no homozygotes.

Submissions (3):

Labcorp Genetics (formerly Invitae), Labcorp
Classification: Uncertain significance for Neuropathy, hereditary sensory and autonomic, type 2A; Pseudohypoaldosteronism type 2C. Last evaluated: 2025-05-19. Review status: criteria provided, single submitter. Criteria: Invitae Variant Classification Sherloc (09022015). Collection method: clinical testing. Allele origin: germline.
Comment: This sequence change replaces serine, which is neutral and polar, with glycine, which is neutral and non-polar, at codon 1872 of the WNK1 protein (p.Ser1872Gly). This variant is not present in population databases (gnomAD no frequency). This variant has not been reported in the literature in individuals affected with WNK1-related conditions. ClinVar contains an entry for this variant (Variation ID: 1748643). Invitae Evidence Modeling of protein sequence and biophysical properties (such as structural, functional, and spatial information, amino acid conservation, physicochemical variation, residue mobility, and thermodynamic stability) indicates that this missense variant is not expected to disrupt WNK1 protein function with a negative predictive value of 95%. In summary, the available evidence is currently insufficient to determine the role of this variant in disease. Therefore, it has been classified as a Variant of Uncertain Significance.

PreventionGenetics, part of Exact Sciences
Classification: Uncertain significance for WNK1-related condition. Last evaluated: 2025-04-28. Review status: criteria provided, single submitter. Criteria: ACMG Guidelines, 2015. Collection method: clinical testing. Allele origin: germline.
Comment: The WNK1 c.4858A>G variant is predicted to result in the amino acid substitution p.Ser1620Gly. To our knowledge, this variant has not been reported in the literature or in a large population database (gnomAD), indicating this variant is rare. At this time, the clinical significance of this variant is uncertain due to the absence of conclusive functional and genetic evidence.

Ambry Genetics
Classification: Uncertain significance for Inborn genetic diseases. Last evaluated: 2021-07-21. Review status: criteria provided, single submitter. Criteria: Ambry Variant Classification Scheme 2023. Collection method: clinical testing. Allele origin: germline.
Comment: The p.S1872G variant (also known as c.5614A>G), located in coding exon 19 of the WNK1 gene, results from an A to G substitution at nucleotide position 5614. The serine at codon 1872 is replaced by glycine, an amino acid with similar properties. This amino acid position is not well conserved in available vertebrate species, and glycine is the reference amino acid in other vertebrate species. In addition, this alteration is predicted to be tolerated by in silico analysis. Since supporting evidence is limited at this time, the clinical significance of this alteration remains unclear.